The following is an entry in ClinVar:

NM_014423.4(AFF4):c.572_580delinsG (p.Asn191fs)

Gene: AFF4 (ALF transcription elongation factor 4; minus strand). Cytogenetic location: 5q31.1.
Variant type: Indel.
Coding change: c.572_580delinsG on transcript NM_014423.4 (MANE Select); coding-DNA positions 572 to 580, ACTCTAGTC replaced by G.
Protein change: p.Asn191fs; shifts the reading frame from asparagine 191.
Molecular consequence: frameshift variant.
Genome position (GRCh38, 1-based): chr5:132,934,485-132,934,493, GACTAGAGT replaced by C on the plus strand (ACTCTAGTC replaced by G on the coding strand, the reverse complement: AFF4 is on the minus strand). VCF-style: chr5-132934485-GACTAGAGT-C. GRCh37 (hg19) VCF-style: chr5-132270177-GACTAGAGT-C.
Other names: short protein forms N191fs.
Identifiers: ClinVar variation 3364250 (VCV003364250.1).

ClinVar aggregate classification (germline): Uncertain significance (1 of 4 stars; one submission).

Submission:

GeneDx
Classification: Uncertain significance. Last evaluated: 2023-11-12. Review status: criteria provided, single submitter. Criteria: GeneDx Variant Classification Process June 2021. Collection method: clinical testing. Allele origin: germline. Affected: yes.
Comment: Not observed at significant frequency in large population cohorts (gnomAD); Frameshift variant predicted to result in protein truncation or nonsense mediated decay in a gene for which loss-of-function is not an established mechanism of disease; Has not been previously published as pathogenic or benign to our knowledge